The following is an entry in ClinVar:

ClinVar aggregate classification (germline): Uncertain significance (1 of 4 stars; one submission).

gnomAD v4.1: 8 of 1,598,838 alleles (0.0005%); highest among the groups gnomAD compares: Non-Finnish European, 0.00068%; no homozygotes.

Submission:

Labcorp Genetics (formerly Invitae), Labcorp
Classification: Uncertain significance. Last evaluated: 2024-02-24. Review status: criteria provided, single submitter. Criteria: Invitae Variant Classification Sherloc (09022015). Collection method: clinical testing. Allele origin: germline.
Comment: This sequence change creates a premature translational stop signal (p.Glu681*) in the GPR179 gene. While this is not anticipated to result in nonsense mediated decay, it is expected to disrupt the last 1687 amino acid(s) of the GPR179 protein. This variant is not present in population databases (gnomAD no frequency). This variant has not been reported in the literature in individuals affected with GPR179-related conditions. ClinVar contains an entry for this variant (Variation ID: 1479704). Experimental studies and prediction algorithms are not available or were not evaluated, and the functional significance of this variant is currently unknown. In summary, the available evidence is currently insufficient to determine the role of this variant in disease. Therefore, it has been classified as a Variant of Uncertain Significance.

NM_001004334.4(GPR179):c.2041G>T (p.Glu681Ter)

Gene: GPR179 (G protein-coupled receptor 179; minus strand). Cytogenetic location: 17q12.
Variant type: single nucleotide variant.
Coding change: c.2041G>T on transcript NM_001004334.4 (MANE Select); coding-DNA position 2041, G replaced by T.
Protein change: p.Glu681Ter; replaces glutamic acid 681 with a stop codon.
Molecular consequence: nonsense.
Genome position (GRCh38, 1-based): chr17:38,331,528, C>A on the plus strand (G>T on the coding strand, the complement: GPR179 is on the minus strand). VCF-style: chr17-38331528-C-A. GRCh37 (hg19) VCF-style: chr17-36487411-C-A.
Other names: short protein forms E681*.
Identifiers: ClinVar variation 1479704 (VCV001479704.6), dbSNP rs756014456, ClinGen allele CA398884483.
Genomic context (GRCh38, chr17:38,331,528, plus strand): 5'-TGTTTGCGGCCATTTCCTTGGTTTTGTGGACCTCTAGCTGGGCATAGAGCTTCTTCAGCT[C>A]GTCCTGTGGGGCAGCAGGGAGGAAAGCAGGGCTGCAGGTGAGCTCTCTCCATCCCCTGGC-3'